The following is an entry in ClinVar:

ClinVar aggregate classification (germline): Uncertain significance (1 of 4 stars; one submission).

gnomAD v4.1: 1 of 1,614,122 alleles (0.000062%); no homozygotes.

Submission:

Ambry Genetics
Classification: Uncertain significance. Last evaluated: 2024-04-30. Review status: criteria provided, single submitter. Criteria: Ambry Variant Classification Scheme 2023. Collection method: clinical testing. Allele origin: germline.
Comment: The p.G2161E variant (also known as c.6482G>A), located in coding exon 12 of the ALPK2 gene, results from a G to A substitution at nucleotide position 6482. The glycine at codon 2161 is replaced by glutamic acid, an amino acid with similar properties. This amino acid position is conserved. In addition, this alteration is predicted to be tolerated by in silico analysis. Based on the available evidence, the clinical significance of this variant remains unclear.

NM_052947.4(ALPK2):c.6482G>A (p.Gly2161Glu)

Gene: ALPK2 (alpha kinase 2; minus strand). Cytogenetic location: 18q21.31.
Variant type: single nucleotide variant.
Coding change: c.6482G>A on transcript NM_052947.4 (MANE Select); coding-DNA position 6482, G replaced by A.
Protein change: p.Gly2161Glu; replaces glycine 2161 with glutamic acid.
Molecular consequence: missense variant.
Genome position (GRCh38, 1-based): chr18:58,481,854, C>T on the plus strand (G>A on the coding strand, the complement: ALPK2 is on the minus strand). VCF-style: chr18-58481854-C-T. GRCh37 (hg19) VCF-style: chr18-56149086-C-T.
Other names: short protein forms G2161E.
Identifiers: ClinVar variation 3290271 (VCV003290271.1).